The following is an entry in ClinVar:

NM_003242.6(TGFBR2):c.1525-7G>A

Gene: TGFBR2 (transforming growth factor beta receptor 2; plus strand). Cytogenetic location: 3p24.1.
Variant type: single nucleotide variant.
Coding change: c.1525-7G>A on transcript NM_003242.6 (MANE Select); 7 bases into the intron before coding-DNA position 1525, G replaced by A.
Molecular consequence: intron variant.
Genome position (GRCh38, 1-based): chr3:30,691,413, G>A. VCF-style: chr3-30691413-G-A. GRCh37 (hg19) VCF-style: chr3-30732905-G-A.
Other names: c.1528-7G>A (NM_001407129.1); c.1420-7G>A (NM_001407132.1, NM_001407136.1, NM_001407133.1 and 2 more transcripts); c.1708-7G>A (NM_001407126.1); c.1600-7G>A (NM_001024847.3); c.655-7G>A (NM_001407139.1); c.1240-7G>A (NM_001407137.1); c.1633-7G>A (NM_001407127.1); c.1522-7G>A (NM_001407130.1); and 2 more.
Identifiers: ClinVar variation 44656 (VCV000044656.50), dbSNP rs377499122, ClinGen allele CA020704.
Genomic context (GRCh38, chr3:30,691,413, plus strand): 5'-CAGGCCACCTTGCCTTCCGCGGAGCCCACCAACTCATGGTGCCCTTTGGATCTCTTTCCC[G>A]CTACAGGGCATCCAGATGGTGTGTGAGACGTTGACTGAGTGCTGGGACCACGACCCAGAG-3'

ClinVar aggregate classification (germline): Conflicting classifications of pathogenicity. Review status: criteria provided, conflicting classifications (1 of 4 stars). 12 submissions from 12 submitters: Uncertain significance (1); Benign (1); Likely benign (7). 3 of the submissions do not count toward it. Last evaluated 2026-09-01.

Conditions:
TGFBR2-related disorder. Also called: TGFBR2-related condition.
Ehlers-Danlos syndrome (EDS). Identifiers: Orphanet 98249, MedGen C0013720, MONDO:0020066.
Familial thoracic aortic aneurysm and aortic dissection (TAAD). Also called: Thoracic aortic aneurysms and dissections. Identifiers: Orphanet 91387, MedGen C4707243, MONDO:0019625.

Allele frequency attached by ClinVar (database versions not stated): TOPMed 0.00037; gnomAD exomes 0.00046 and 0.00026; ExAC 0.00024; ESP Exome Variant Server 0.00038; gnomAD 0.00032.
gnomAD v4.1: 714 of 1,613,728 alleles (0.044%); highest among the groups gnomAD compares: Non-Finnish European, 0.056%; no homozygotes.

Submissions (12):

CeGaT Center for Human Genetics Tuebingen
Classification: Likely benign. Last evaluated: 2026-09-01. Review status: criteria provided, single submitter. Criteria: CeGaT Center For Human Genetics Tuebingen Variant Classification Criteria Version 2. Collection method: clinical testing. Allele origin: germline. Affected: yes. Observed: 4 variant alleles.
Comment: TGFBR2: BP4

Labcorp Genetics (formerly Invitae), Labcorp
Classification: Likely benign for Familial thoracic aortic aneurysm and aortic dissection. Last evaluated: 2026-01-31. Review status: criteria provided, single submitter. Criteria: Invitae Variant Classification Sherloc (09022015). Collection method: clinical testing. Allele origin: germline.

Molecular Diagnostic Laboratory for Inherited Cardiovascular Disease, Montreal Heart Institute
Classification: Likely benign. Last evaluated: 2025-04-09. Review status: criteria provided, single submitter. Criteria: ACMG Guidelines, 2015. Collection method: clinical testing. Allele origin: germline. Affected: no.

Blueprint Genetics
Classification: Likely benign. Last evaluated: 2024-11-06. Review status: criteria provided, single submitter. Criteria: ACMG Guidelines, 2015. Collection method: clinical testing. Allele origin: germline.

Genome Diagnostics Laboratory, The Hospital for Sick Children
Classification: Likely benign for Ehlers-Danlos syndrome. Last evaluated: 2020-06-01. Review status: criteria provided, single submitter. Criteria: ACMG Guidelines, 2015. Collection method: clinical testing. Allele origin: germline.

Color Diagnostics, LLC DBA Color Health
Classification: Likely benign for Familial thoracic aortic aneurysm and aortic dissection. Last evaluated: 2018-04-13. Review status: criteria provided, single submitter. Criteria: ACMG Guidelines, 2015. Collection method: clinical testing. Allele origin: germline.

Center for Human Genetics, Inc
Classification: Likely benign for Familial thoracic aortic aneurysm and aortic dissection. Last evaluated: 2016-11-01. Review status: criteria provided, single submitter. Criteria: ACMG Guidelines, 2015. Collection method: clinical testing. Allele origin: germline. Affected: yes.

GeneDx
Classification: Benign. Last evaluated: 2013-02-01. Review status: criteria provided, single submitter. Criteria: GeneDx Variant Classification (06012015). Collection method: clinical testing. Allele origin: germline. Affected: yes.
Comment: This variant is considered likely benign or benign based on one or more of the following criteria: it is a conservative change, it occurs at a poorly conserved position in the protein, it is predicted to be benign by multiple in silico algorithms, and/or has population frequency not consistent with disease.

Laboratory for Molecular Medicine, Mass General Brigham Personalized Medicine
Classification: Uncertain significance. Last evaluated: 2012-04-13. Review status: criteria provided, single submitter. Criteria: LMM Criteria. Collection method: clinical testing. Allele origin: germline. Observed: 1 variant allele.
Comment: The 1525-7G>A variant in TGFBR2 has not been previously reported in the literatu re or identified by our laboratory. This variant is located in the 3' splice re gion and computational tools do not predict altered splicing. However, this inf ormation is not predictive enough to rule out pathogenicity. It has also been i dentified in 3/7020 European American chromosomes from a broad population by the NHLBI Exome Sequencing Project. Although t his data supports that the 1525-7G>A variant may be benign, additional studies a re needed to fully assess its clinical significance.

PreventionGenetics, part of Exact Sciences
Classification: Likely benign for TGFBR2-related condition. Last evaluated: 2019-03-06. Review status: no assertion criteria provided. Collection method: clinical testing. Allele origin: germline. Not counted in ClinVar's aggregate classification.
Comment: This variant is classified as likely benign based on ACMG/AMP sequence variant interpretation guidelines (Richards et al. 2015 PMID: 25741868, with internal and published modifications).

Clinical Genetics DNA and cytogenetics Diagnostics Lab, Erasmus MC, Erasmus Medical Center
Classification: Likely benign. Review status: no assertion criteria provided. Collection method: clinical testing. Allele origin: germline. Affected: yes. Study: VKGL Data-share Consensus. Not counted in ClinVar's aggregate classification.

Genome Diagnostics Laboratory, Amsterdam University Medical Center
Classification: Likely benign. Review status: no assertion criteria provided. Collection method: clinical testing. Allele origin: germline. Affected: yes. Study: VKGL Data-share Consensus. Not counted in ClinVar's aggregate classification.